The following is an entry in ClinVar:

ClinVar aggregate classification (germline): Conflicting classifications of pathogenicity. Review status: criteria provided, conflicting classifications (1 of 4 stars). 5 submissions from 5 submitters: Uncertain significance (3); Likely benign (2). Last evaluated 2024-07-12.

Conditions:
Hereditary breast ovarian cancer syndrome. Also called: Hereditary breast and ovarian cancer; Hereditary breast and/or ovarian cancer syndrome; BRCA1- and BRCA2-Associated Hereditary Breast and Ovarian Cancer; Hereditary breast and ovarian cancer syndrome; Hereditary breast and ovarian cancer syndrome (HBOC); Breast and ovarian cancer. Identifiers: Orphanet 145, MedGen C0677776, MeSH D061325, MONDO:0003582. Disease mechanism: loss of function.
Hereditary cancer-predisposing syndrome. Also called: Tumor predisposition; Hereditary Cancer Syndrome; Hereditary neoplastic syndrome; Neoplastic Syndromes, Hereditary. Identifiers: Orphanet 140162, MedGen C0027672, MeSH D009386, MONDO:0015356.

Submissions (5):

Ambry Genetics
Classification: Likely benign for Hereditary cancer-predisposing syndrome. Last evaluated: 2024-07-12. Review status: criteria provided, single submitter. Criteria: Ambry Variant Classification Scheme 2023. Collection method: clinical testing. Allele origin: germline.

University of Washington Department of Laboratory Medicine, University of Washington
Classification: Likely benign for Hereditary cancer-predisposing syndrome. Last evaluated: 2023-03-23. Review status: criteria provided, single submitter. Criteria: Dines et al. (Genet Med. 2020). Collection method: curation. Allele origin: germline.
Comment: Missense variant in a coldspot region where missense variants are very unlikely to be pathogenic (PMID:31911673).

BRCA1 coldspot (exon 11 using historical exon numbering). Reclassification based on statistical prior probability

Labcorp Genetics (formerly Invitae), Labcorp
Classification: Uncertain significance for Hereditary breast ovarian cancer syndrome. Last evaluated: 2022-12-12. Review status: criteria provided, single submitter. Criteria: Invitae Variant Classification Sherloc (09022015). Collection method: clinical testing. Allele origin: germline.
Comment: This sequence change replaces tyrosine, which is neutral and polar, with aspartic acid, which is acidic and polar, at codon 831 of the BRCA1 protein (p.Tyr831Asp). This variant is not present in population databases (gnomAD no frequency). In summary, the available evidence is currently insufficient to determine the role of this variant in disease. Therefore, it has been classified as a Variant of Uncertain Significance. Advanced modeling of protein sequence and biophysical properties (such as structural, functional, and spatial information, amino acid conservation, physicochemical variation, residue mobility, and thermodynamic stability) performed at Invitae indicates that this missense variant is not expected to disrupt BRCA1 protein function. ClinVar contains an entry for this variant (Variation ID: 409348). This variant has not been reported in the literature in individuals affected with BRCA1-related conditions.

Color Diagnostics, LLC DBA Color Health
Classification: Uncertain significance for Hereditary cancer-predisposing syndrome. Last evaluated: 2020-12-01. Review status: criteria provided, single submitter. Criteria: ACMG Guidelines, 2015. Collection method: clinical testing. Allele origin: germline.
Comment: This missense variant replaces tyrosine with aspartic acid at codon 831 of the BRCA1 protein. Computational prediction suggests that this variant may not impact protein structure and function (internally defined REVEL score threshold <= 0.5, PMID: 27666373). To our knowledge, functional studies have not been reported for this variant. This variant has not been reported in individuals affected with hereditary cancer in the literature. This variant has not been identified in the general population by the Genome Aggregation Database (gnomAD). The available evidence is insufficient to determine the role of this variant in disease conclusively. Therefore, this variant is classified as a Variant of Uncertain Significance.

GeneDx
Classification: Uncertain significance. Last evaluated: 2014-10-28. Review status: criteria provided, single submitter. Criteria: GeneDx Variant Classification (06012015). Collection method: clinical testing. Allele origin: germline. Affected: yes.
Comment: This variant is denoted BRCA1 c.2491T>G at the cDNA level, p.Tyr831Asp (Y831D) at the protein level, and results in the change of a Tyrosine to an Aspartic Acid (TAT>GAT). This variant has not, to our knowledge, been published in the literature as pathogenic or benign. BRCA1 Tyr831Asp was not observed in approximately 6,500 individuals of European and African American ancestry in the NHLBI Exome Sequencing Project, indicating it is not a common benign variant in these populations. Since Tyrosine and Aspartic Acid differ in polarity, charge, size or other properties, this is considered a non-conservative amino acid substitution. BRCA1 Tyr831Asp occurs at a position that is poorly conserved across species and is located in DNA-binding domain (Narod 2004). In silico analyses predict that this variant is unlikely to alter protein structure or function. Based on currently available information, it is unclear whether BRCA1 Tyr831Asp is pathogenic or benign. We consider it to be a variant of uncertain significance.

NM_007294.4(BRCA1):c.2491T>G (p.Tyr831Asp)

Gene: BRCA1 (BRCA1 DNA repair associated; minus strand). Cytogenetic location: 17q21.31.
Variant type: single nucleotide variant.
Coding change: c.2491T>G on transcript NM_007294.4 (MANE Select); coding-DNA position 2491, T replaced by G.
Protein change: p.Tyr831Asp; replaces tyrosine 831 with aspartic acid.
Molecular consequence: missense variant. On other transcripts: intron variant (137).
Genome position (GRCh38, 1-based): chr17:43,093,040, A>C on the plus strand (T>G on the coding strand, the complement: BRCA1 is on the minus strand). VCF-style: chr17-43093040-A-C. GRCh37 (hg19) VCF-style: chr17-41245057-A-C.
Other names: c.2368T>G, p.Tyr790Asp (NM_001407863.1, NM_001407681.1, NM_001407682.1 and 19 more transcripts); c.646+1704T>G (NM_001408410.1, NM_001408458.1, NM_001408469.1 and 11 more transcripts); c.2365T>G, p.Tyr789Asp (NM_001407686.1, NM_001407687.1, NM_001407685.1 and 11 more transcripts); c.2491T>G, p.Tyr831Asp (NM_001407684.1, NM_001407854.1, NM_001407858.1 and 30 more transcripts); c.709+1704T>G (NM_001408415.1, NM_001408412.1, NM_001408409.1 and 2 more transcripts); c.664+1704T>G (NM_001408442.1, NM_001408426.1, NM_001408436.1 and 12 more transcripts); c.787+1704T>G (NM_001407970.1, NM_001407982.1, NM_001407980.1 and 17 more transcripts); c.2281T>G, p.Tyr761Asp (NM_001407881.1, NM_001407882.1, NM_001407884.1 and 13 more transcripts); and 41 more; short protein forms Y831D, Y784D, Y704D, Y743D, Y783D, Y663D, Y703D, Y719D.
Identifiers: ClinVar variation 409348 (VCV000409348.22), dbSNP rs1060502350, ClinGen allele CA10597016.